The following is an entry in ClinVar:

ClinVar aggregate classification (germline): Uncertain significance (1 of 4 stars; one submission).

Conditions:
Oculocerebrofacial syndrome, Kaufman type. Also called: Blepharophimosis-ptosis-intellectual disability syndrome. Identifiers: Orphanet 2707, MedGen C1855663, MONDO:0009485, OMIM 244450.

Submission:

3billion
Classification: Uncertain significance for Oculocerebrofacial syndrome, Kaufman type. Last evaluated: 2025-07-09. Review status: criteria provided, single submitter. Criteria: ACMG Guidelines, 2015. Collection method: clinical testing. Allele origin: germline. Affected: yes.
Comment: The variant is not observed in the gnomAD v4.1.0 dataset. Predicted Consequence/Location: Intron variant In silico tools predict the variant to alter splicing and produce an abnormal transcript [SpliceAI: 0.74 (>=0.2, moderate evidence for spliceogenicity)]. Therefore, this variant is classified as VUS according to the recommendation of ACMG/AMP guideline.

NM_130466.4(UBE3B):c.1856+12G>A

Gene: UBE3B (ubiquitin protein ligase E3B; plus strand). Cytogenetic location: 12q24.11.
Variant type: single nucleotide variant.
Coding change: c.1856+12G>A on transcript NM_130466.4 (MANE Select); 12 bases into the intron after coding-DNA position 1856, G replaced by A.
Molecular consequence: intron variant.
Genome position (GRCh38, 1-based): chr12:109,510,470, G>A. VCF-style: chr12-109510470-G-A. GRCh37 (hg19) VCF-style: chr12-109948275-G-A.
Other names: c.1856+12G>A (NM_183415.3).
Identifiers: ClinVar variation 4856025 (VCV004856025.1).